The following is an entry in ClinVar:

ClinVar aggregate classification (germline): Uncertain significance (1 of 4 stars; one submission).

Submission:

Labcorp Genetics (formerly Invitae), Labcorp
Classification: Uncertain significance. Last evaluated: 2022-08-09. Review status: criteria provided, single submitter. Criteria: Invitae Variant Classification Sherloc (09022015). Collection method: clinical testing. Allele origin: germline.
Comment: This sequence change replaces glutamine, which is neutral and polar, with glutamic acid, which is acidic and polar, at codon 784 of the SON protein (p.Gln784Glu). This variant is not present in population databases (gnomAD no frequency). This variant has not been reported in the literature in individuals affected with SON-related conditions. Algorithms developed to predict the effect of missense changes on protein structure and function are either unavailable or do not agree on the potential impact of this missense change (SIFT: "Deleterious"; PolyPhen-2: "Probably Damaging"; Align-GVGD: "Class C0"). In summary, the available evidence is currently insufficient to determine the role of this variant in disease. Therefore, it has been classified as a Variant of Uncertain Significance.

NM_138927.4(SON):c.2350C>G (p.Gln784Glu)

Gene: SON (SON DNA and RNA binding protein; plus strand). Cytogenetic location: 21q22.11.
Variant type: single nucleotide variant.
Coding change: c.2350C>G on transcript NM_138927.4 (MANE Select); coding-DNA position 2350, C replaced by G.
Protein change: p.Gln784Glu; replaces glutamine 784 with glutamic acid.
Molecular consequence: missense variant. On other transcripts: non-coding transcript variant (1), intron variant (1).
Genome position (GRCh38, 1-based): chr21:33,551,581, C>G. VCF-style: chr21-33551581-C-G. GRCh37 (hg19) VCF-style: chr21-34923887-C-G.
Other names: c.2350C>G, p.Gln784Glu (NM_001291411.2, NM_001412133.1, NM_032195.3 and 2 more transcripts); c.244+5202C>G (NM_001291412.3); short protein forms Q784E.
Identifiers: ClinVar variation 2097612 (VCV002097612.4), dbSNP rs2517362444, ClinGen allele CA410157785.